The following is an entry in ClinVar:

ClinVar aggregate classification (germline): Uncertain significance. Review status: criteria provided, multiple submitters, no conflicts (2 of 4 stars). 3 submissions from 3 submitters: Uncertain significance (3). Last evaluated 2025-03-10.

Conditions:
GATA1-related disorder. Also called: GATA1-related condition.
Diamond-Blackfan anemia. Also called: Blackfan Diamond syndrome; Aregenerative anemia chronic congenital; Red cell aplasia, pure hereditary; Congenital hypoplastic anemia; Aase syndrome. Identifiers: Orphanet 124, MedGen C1260899, MeSH D029503, MONDO:0015253, HP:0004810.
GATA binding protein 1 related thrombocytopenia with dyserythropoiesis. Also called: GATA1-Related X-Linked Cytopenia; GATA1-Related Cytopenia. Identifiers: MedGen C1845837, MONDO:0100089.
Beta-thalassemia-X-linked thrombocytopenia syndrome. Also called: THROMBOCYTOPENIA WITH BETA-THALASSEMIA, X-LINKED. Identifiers: Orphanet 231393, MedGen C1839161, MONDO:0010745, OMIM 314050.
Down syndrome (DS). Also called: T21. Identifiers: Orphanet 870, MedGen C0013080, MONDO:0008608, OMIM 190685. Disease mechanism: Meiosis non dynjunction. Inheritance: Chromosomal.
Thrombocytopenia, X-linked, with or without dyserythropoietic anemia (XLTDA). Identifiers: Orphanet 67044, MedGen C3550789, MONDO:0010308, OMIM 300367.
X-linked dyserythropoetic anemia with abnormal platelets and neutropenia. Also called: ANEMIA, X-LINKED, WITH OR WITHOUT NEUTROPENIA AND/OR PLATELET ABNORMALITIES. Identifiers: Orphanet 363727, MedGen C3550856, MONDO:0010444, OMIM 300835.

Allele frequency attached by ClinVar (database versions not stated): ExAC below 0.00001; gnomAD exomes below 0.00001; gnomAD 0.00001; 1000 Genomes Project 0.00026; 1000 Genomes Project 30x 0.00042.

Submissions (3):

PreventionGenetics, part of Exact Sciences
Classification: Uncertain significance for GATA1-related condition. Last evaluated: 2025-03-10. Review status: criteria provided, single submitter. Criteria: ACMG Guidelines, 2015. Collection method: clinical testing. Allele origin: germline.
Comment: The GATA1 c.944A>G variant is predicted to result in the amino acid substitution p.Lys315Arg. To our knowledge, this variant has not been reported in the literature. This variant is reported in 0.0% of alleles in individuals of African descent in gnomAD. At this time, the clinical significance of this variant is uncertain due to the absence of conclusive functional and genetic evidence.

Labcorp Genetics (formerly Invitae), Labcorp
Classification: Uncertain significance for GATA binding protein 1 related thrombocytopenia with dyserythropoiesis; Diamond-Blackfan anemia. Last evaluated: 2024-12-30. Review status: criteria provided, single submitter. Criteria: Invitae Variant Classification Sherloc (09022015). Collection method: clinical testing. Allele origin: germline.
Comment: This sequence change replaces lysine, which is basic and polar, with arginine, which is basic and polar, at codon 315 of the GATA1 protein (p.Lys315Arg). This variant is not present in population databases (gnomAD no frequency). This variant has not been reported in the literature in individuals affected with GATA1-related conditions. ClinVar contains an entry for this variant (Variation ID: 945514). Invitae Evidence Modeling of protein sequence and biophysical properties (such as structural, functional, and spatial information, amino acid conservation, physicochemical variation, residue mobility, and thermodynamic stability) indicates that this missense variant is not expected to disrupt GATA1 protein function with a negative predictive value of 95%. In summary, the available evidence is currently insufficient to determine the role of this variant in disease. Therefore, it has been classified as a Variant of Uncertain Significance.

Fulgent Genetics
Classification: Uncertain significance for Down syndrome; Thrombocytopenia, X-linked, with or without dyserythropoietic anemia; X-linked dyserythropoetic anemia with abnormal platelets and neutropenia; Beta-thalassemia-X-linked thrombocytopenia syndrome. Last evaluated: 2021-10-27. Review status: criteria provided, single submitter. Criteria: ACMG Guidelines, 2015. Collection method: clinical testing. Allele origin: unknown.

NM_002049.4(GATA1):c.944A>G (p.Lys315Arg)

Gene: GATA1 (GATA binding protein 1; plus strand). Cytogenetic location: Xp11.23.
Variant type: single nucleotide variant.
Coding change: c.944A>G on transcript NM_002049.4 (MANE Select); coding-DNA position 944, A replaced by G.
Protein change: p.Lys315Arg; replaces lysine 315 with arginine.
Molecular consequence: missense variant.
Genome position (GRCh38, 1-based): chrX:48,793,866, A>G. VCF-style: chrX-48793866-A-G. GRCh37 (hg19) VCF-style: chrX-48652273-A-G.
Other names: short protein forms K315R.
Identifiers: ClinVar variation 945514 (VCV000945514.10), dbSNP rs782326935, ClinGen allele CA10404680.